The following is an entry in ClinVar:

NM_199355.4(ADAMTS18):c.3454C>T (p.Gln1152Ter)

Genes: ADAMTS18 (ADAM metallopeptidase with thrombospondin type 1 motif 18; minus strand), LOC126862407 (CDK7 strongly-dependent group 2 enhancer GRCh37_chr16:77322970-77324169; plus strand). Cytogenetic location: 16q23.1.
Variant type: single nucleotide variant.
Coding change: c.3454C>T on transcript NM_199355.4 (MANE Select); coding-DNA position 3454, C replaced by T.
Protein change: p.Gln1152Ter; replaces glutamine 1152 with a stop codon.
Molecular consequence: nonsense.
Genome position (GRCh38, 1-based): chr16:77,289,360, G>A on the plus strand (C>T on the coding strand, the complement: ADAMTS18 is on the minus strand). VCF-style: chr16-77289360-G-A. GRCh37 (hg19) VCF-style: chr16-77323257-G-A.
Other names: c.2938C>T, p.Gln980Ter (NM_001326358.2); short protein forms Q1152*, Q980*.
Identifiers: ClinVar variation 1069405 (VCV001069405.10), dbSNP rs187879501, ClinGen allele CA8180423.

ClinVar aggregate classification (germline): Pathogenic/Likely pathogenic. Review status: criteria provided, multiple submitters, no conflicts (2 of 4 stars). 2 submissions from 2 submitters: Pathogenic (1); Likely pathogenic (1). Last evaluated 2024-11-18.

Conditions:
ADAMTS18-related disorder. Also called: ADAMTS18-related condition.

Allele frequency attached by ClinVar (database versions not stated): gnomAD exomes below 0.00001 and 0.00001; TOPMed below 0.00001; ExAC 0.00001; gnomAD 0.00001; 1000 Genomes Project 30x 0.00016; 1000 Genomes Project 0.00020.
gnomAD v4.1: 7 of 1,614,130 alleles (0.00043%); highest among the groups gnomAD compares: Non-Finnish European, 0.00059%; no homozygotes.

Submissions (2):

Labcorp Genetics (formerly Invitae), Labcorp
Classification: Pathogenic. Last evaluated: 2024-11-18. Review status: criteria provided, single submitter. Criteria: Invitae Variant Classification Sherloc (09022015). Collection method: clinical testing. Allele origin: germline.
Comment: This sequence change creates a premature translational stop signal (p.Gln1152*) in the ADAMTS18 gene. It is expected to result in an absent or disrupted protein product. Loss-of-function variants in ADAMTS18 are known to be pathogenic (PMID: 23818446, 24874986). This variant is present in population databases (rs187879501, gnomAD 0.002%). This variant has not been reported in the literature in individuals affected with ADAMTS18-related conditions. ClinVar contains an entry for this variant (Variation ID: 1069405). For these reasons, this variant has been classified as Pathogenic.

Blueprint Genetics
Classification: Likely pathogenic for ADAMTS18-related disorders. Last evaluated: 2023-09-01. Review status: criteria provided, single submitter. Criteria: ACMG Guidelines, 2015. Collection method: clinical testing. Allele origin: germline. Affected: yes. Observed: 2 variant alleles.

Literature cited by the submitters: PubMed 23818446 (cited by Labcorp Genetics (formerly Invitae), Labcorp); PubMed 24874986 (cited by Labcorp Genetics (formerly Invitae), Labcorp).